The following is an entry in ClinVar:

NM_001009944.3(PKD1):c.2029G>A (p.Gly677Arg)

Gene: PKD1 (polycystin 1, transient receptor potential channel interacting; minus strand). Cytogenetic location: 16p13.3.
Variant type: single nucleotide variant.
Coding change: c.2029G>A on transcript NM_001009944.3 (MANE Select); coding-DNA position 2029, G replaced by A.
Protein change: p.Gly677Arg; replaces glycine 677 with arginine.
Molecular consequence: missense variant.
Genome position (GRCh38, 1-based): chr16:2,115,446, C>T on the plus strand (G>A on the coding strand, the complement: PKD1 is on the minus strand). VCF-style: chr16-2115446-C-T. GRCh37 (hg19) VCF-style: chr16-2165447-C-T.
Other names: c.2029G>A, p.Gly677Arg (NM_000296.4); short protein forms G677R.
Identifiers: ClinVar variation 3032747 (VCV003032747.2), dbSNP rs770774357, ClinGen allele CA7833306.

ClinVar aggregate classification (germline): Uncertain significance (0 of 4 stars; one submission).

Conditions:
PKD1-related disorder. Also called: PKD1-related condition.

gnomAD v4.1: 15 of 1,597,702 alleles (0.00094%); highest among the groups gnomAD compares: East Asian, 0.0023%; no homozygotes.

Submission:

PreventionGenetics, part of Exact Sciences
Classification: Uncertain significance for PKD1-related condition. Last evaluated: 2024-01-10. Review status: no assertion criteria provided. Collection method: clinical testing. Allele origin: germline.
Comment: The PKD1 c.2029G>A variant is predicted to result in the amino acid substitution p.Gly677Arg. To our knowledge, this variant has not been reported in the literature. This variant is reported in 0.0036% of alleles in individuals of South Asian descent in gnomAD. At this time, the clinical significance of this variant is uncertain due to the absence of conclusive functional and genetic evidence.